The following is an entry in ClinVar:

ClinVar aggregate classification (germline): Uncertain significance. Review status: criteria provided, multiple submitters, no conflicts (2 of 4 stars). 2 submissions from 2 submitters: Uncertain significance (2). Last evaluated 2024-07-13.

Conditions:
Charcot-Marie-Tooth disease type 2. Also called: Charcot-Marie-Tooth type 2. Identifiers: Orphanet 64746, MedGen C0270914, MONDO:0018993.

Allele frequency attached by ClinVar (database versions not stated): gnomAD exomes below 0.00001; TOPMed 0.00001.
gnomAD v4.1: 1 of 1,614,218 alleles (0.000062%); highest among the groups gnomAD compares: Non-Finnish European, 0.000085%; no homozygotes.

Submissions (2):

Ambry Genetics
Classification: Uncertain significance. Last evaluated: 2024-07-13. Review status: criteria provided, single submitter. Criteria: Ambry Variant Classification Scheme 2023. Collection method: clinical testing. Allele origin: germline.
Comment: The p.L174F variant (also known as c.520C>T), located in coding exon 5 of the KIF1B gene, results from a C to T substitution at nucleotide position 520. The leucine at codon 174 is replaced by phenylalanine, an amino acid with highly similar properties. This amino acid position is well conserved in available vertebrate species. In addition, this alteration is predicted to be tolerated by in silico analysis. Since supporting evidence is limited at this time, the clinical significance of this alteration remains unclear.

Labcorp Genetics (formerly Invitae), Labcorp
Classification: Uncertain significance for Charcot-Marie-Tooth disease type 2. Last evaluated: 2024-04-05. Review status: criteria provided, single submitter. Criteria: Invitae Variant Classification Sherloc (09022015). Collection method: clinical testing. Allele origin: germline.
Comment: This sequence change replaces leucine, which is neutral and non-polar, with phenylalanine, which is neutral and non-polar, at codon 174 of the KIF1B protein (p.Leu174Phe). This variant is not present in population databases (gnomAD no frequency). This variant has not been reported in the literature in individuals affected with KIF1B-related conditions. ClinVar contains an entry for this variant (Variation ID: 1017514). Advanced modeling of protein sequence and biophysical properties (such as structural, functional, and spatial information, amino acid conservation, physicochemical variation, residue mobility, and thermodynamic stability) performed at Invitae indicates that this missense variant is not expected to disrupt KIF1B protein function with a negative predictive value of 80%. In summary, the available evidence is currently insufficient to determine the role of this variant in disease. Therefore, it has been classified as a Variant of Uncertain Significance.

NM_001365951.3(KIF1B):c.520C>T (p.Leu174Phe)

Gene: KIF1B (kinesin family member 1B; plus strand). Cytogenetic location: 1p36.22.
Variant type: single nucleotide variant.
Coding change: c.520C>T on transcript NM_001365951.3 (MANE Select); coding-DNA position 520, C replaced by T.
Protein change: p.Leu174Phe; replaces leucine 174 with phenylalanine.
Molecular consequence: missense variant.
Genome position (GRCh38, 1-based): chr1:10,267,470, C>T. VCF-style: chr1-10267470-C-T. GRCh37 (hg19) VCF-style: chr1-10327528-C-T.
Other names: c.520C>T, p.Leu174Phe (NM_001365952.1, NM_001365953.1, NM_015074.3 and 1 more transcripts); short protein forms L174F.
Identifiers: ClinVar variation 1017514 (VCV001017514.12), dbSNP rs1648530496, ClinGen allele CA338329444.
Genomic context (GRCh38, chr1:10,267,470, plus strand): 5'-GTACGAGATTTGCTGAATCCAAAAAACAAGGGTAATTTGCGTGTGCGTGAACACCCACTT[C>T]TTGGACCCTATGTGGAGGATCTGTCCAAGTTGGCAGTTACTTCCTACACAGACATTGCTG-3'
Protein context (NP_001352880.1, residues 164-184): GNLRVREHPL[Leu174Phe]GPYVEDLSKL